The following is an entry in ClinVar:

ClinVar aggregate classification (germline): Likely benign. Review status: criteria provided, single submitter (1 of 4 stars). 2 submissions from 2 submitters: Likely benign (1). 1 of the submissions does not count toward it. Last evaluated 2022-06-17.

Conditions:
LRRK1-related disorder. Also called: LRRK1-related condition.

Allele frequency attached by ClinVar (database versions not stated): gnomAD exomes 0.00001; TOPMed 0.00001; 1000 Genomes Project 0.00020; gnomAD 0.00001; 1000 Genomes Project 30x 0.00031.
gnomAD v4.1: 9 of 1,613,116 alleles (0.00056%); highest among the groups gnomAD compares: Admixed American, 0.005%; no homozygotes.

Submissions (2):

Labcorp Genetics (formerly Invitae), Labcorp
Classification: Likely benign. Last evaluated: 2022-06-17. Review status: criteria provided, single submitter. Criteria: Invitae Variant Classification Sherloc (09022015). Collection method: clinical testing. Allele origin: germline.

PreventionGenetics, part of Exact Sciences
Classification: Likely benign for LRRK1-related condition. Last evaluated: 2019-08-20. Review status: no assertion criteria provided. Collection method: clinical testing. Allele origin: germline. Not counted in ClinVar's aggregate classification.
Comment: This variant is classified as likely benign based on ACMG/AMP sequence variant interpretation guidelines (Richards et al. 2015 PMID: 25741868, with internal and published modifications).

NM_024652.6(LRRK1):c.5727C>T (p.Ala1909=)

Genes: LRRK1 (leucine rich repeat kinase 1; plus strand), LRRK1-AS1 (LRRK1 antisense RNA 1; minus strand). Cytogenetic location: 15q26.3.
Variant type: single nucleotide variant.
Coding change: c.5727C>T on transcript NM_024652.6 (MANE Select); coding-DNA position 5727, C replaced by T.
Protein change: p.Ala1909=; no amino-acid change (alanine 1909 retained).
Molecular consequence: synonymous variant.
Genome position (GRCh38, 1-based): chr15:101,066,164, C>T. VCF-style: chr15-101066164-C-T. GRCh37 (hg19) VCF-style: chr15-101606369-C-T.
Identifiers: ClinVar variation 2068337 (VCV002068337.6), dbSNP rs576977074, ClinGen allele CA275632337.
Genomic context (GRCh38, chr15:101,066,164, plus strand): 5'-CAGGTCTGAGCATGACCTGACCCCCATGGACGGGGAGACCTTCAGCCAGCACCTGCAGGC[C>T]GTGAAGATCCTCGCCGTCAGAGACCTCATTTGGGTCCCCAGGTACGTTTCCCGAGGTGAG-3'
Protein context (NP_078928.3, residues 1899-1919): DGETFSQHLQ[Ala1909=]VKILAVRDLI